The following is an entry in ClinVar:

ClinVar aggregate classification (germline): Likely benign (1 of 4 stars; one submission).

Conditions:
Ehlers-Danlos syndrome, dermatosparaxis type. Also called: Dermatosparaxis; Ehlers-Danlos syndrome, type VII, autosomal recessive; EDS VIIC. Identifiers: Orphanet 1901, MedGen C2700425, MONDO:0009161, OMIM 225410.

Allele frequency attached by ClinVar (database versions not stated): gnomAD 0.00036 and 0.00054; TOPMed 0.00054; 1000 Genomes Project 30x 0.00203; 1000 Genomes Project 0.00220.

Submission:

Illumina Laboratory Services, Illumina
Classification: Likely benign for Ehlers-Danlos syndrome, dermatosparaxis type. Last evaluated: 2018-01-12. Review status: criteria provided, single submitter. Criteria: ICSL Variant Classification Criteria 13 December 2019. Collection method: clinical testing. Allele origin: germline.
Comment: This variant was observed in the ICSL laboratory as part of a predisposition screen in an ostensibly healthy population. It had not been previously curated by ICSL or reported in the Human Gene Mutation Database (HGMD: prior to June 1st, 2018), and was therefore a candidate for classification through an automated scoring system. Utilizing variant allele frequency, disease prevalence and penetrance estimates, and inheritance mode, an automated score was calculated to assess if this variant is too frequent to cause the disease. Based on the score and internal cut-off values, a variant classified as likely benign is not then subjected to further curation. The score for this variant resulted in a classification of likely benign for this disease.

NM_014244.5(ADAMTS2):c.*2397G>A

Gene: ADAMTS2 (ADAM metallopeptidase with thrombospondin type 1 motif 2; minus strand). Cytogenetic location: 5q35.3.
Variant type: single nucleotide variant.
Coding change: c.*2397G>A on transcript NM_014244.5 (MANE Select); 2397 bases downstream of the stop codon, G replaced by A.
Molecular consequence: 3 prime UTR variant.
Genome position (GRCh38, 1-based): chr5:179,111,470, C>T on the plus strand (G>A on the coding strand, the complement: ADAMTS2 is on the minus strand). VCF-style: chr5-179111470-C-T. GRCh37 (hg19) VCF-style: chr5-178538471-C-T.
Identifiers: ClinVar variation 908004 (VCV000908004.4), dbSNP rs117141618, ClinGen allele CA133017242.